The following is an entry in ClinVar:

ClinVar aggregate classification (germline): Benign/Likely benign. Review status: criteria provided, multiple submitters, no conflicts (2 of 4 stars). 4 submissions from 4 submitters: Benign (2); Likely benign (1). 1 of the submissions does not count toward it. Last evaluated 2025-09-03.

Conditions:
CELSR2-related disorder. Also called: CELSR2-related condition.

Allele frequency attached by ClinVar (database versions not stated): ExAC 0.00135; gnomAD 0.00400 and 0.00414; ESP Exome Variant Server 0.00438; TOPMed 0.00456; 1000 Genomes Project 0.00619; 1000 Genomes Project 30x 0.00750.
gnomAD v4.1: 1,179 of 1,614,192 alleles (0.073%); highest among the groups gnomAD compares: African/African-American, 1.4%; 11 homozygotes.

Submissions (4):

Labcorp Genetics (formerly Invitae), Labcorp
Classification: Benign. Last evaluated: 2025-09-03. Review status: criteria provided, single submitter. Criteria: Invitae Variant Classification Sherloc (09022015). Collection method: clinical testing. Allele origin: germline.

Blueprint Genetics
Classification: Likely benign. Last evaluated: 2024-03-21. Review status: criteria provided, single submitter. Criteria: ACMG Guidelines, 2015. Collection method: clinical testing. Allele origin: germline.

Breakthrough Genomics
Classification: Benign. Review status: criteria provided, single submitter. Criteria: ACMG Guidelines, 2015. Collection method: not provided. Allele origin: germline. Inheritance: Unknown mechanism. Affected: yes.

PreventionGenetics, part of Exact Sciences
Classification: Benign for CELSR2-related condition. Last evaluated: 2019-02-20. Review status: no assertion criteria provided. Collection method: clinical testing. Allele origin: germline. Not counted in ClinVar's aggregate classification.
Comment: This variant is classified as benign based on ACMG/AMP sequence variant interpretation guidelines (Richards et al. 2015 PMID: 25741868, with internal and published modifications).

NM_001408.3(CELSR2):c.5400C>T (p.Asn1800=)

Gene: CELSR2 (cadherin EGF LAG seven-pass G-type receptor 2; plus strand). Cytogenetic location: 1p13.3.
Variant type: single nucleotide variant.
Coding change: c.5400C>T on transcript NM_001408.3 (MANE Select); coding-DNA position 5400, C replaced by T.
Protein change: p.Asn1800=; no amino-acid change (asparagine 1800 retained).
Molecular consequence: synonymous variant.
Genome position (GRCh38, 1-based): chr1:109,264,564, C>T. VCF-style: chr1-109264564-C-T. GRCh37 (hg19) VCF-style: chr1-109807186-C-T.
Identifiers: ClinVar variation 732910 (VCV000732910.13), dbSNP rs74763583, ClinGen allele CA987538.